The following is an entry in ClinVar:

ClinVar aggregate classification (germline): Uncertain significance (1 of 4 stars; one submission).

Conditions:
Inborn genetic diseases. Identifiers: MedGen C0950123, MeSH D030342.

Submission:

Ambry Genetics
Classification: Uncertain significance for Inborn genetic diseases. Last evaluated: 2024-12-26. Review status: criteria provided, single submitter. Criteria: Ambry Variant Classification Scheme 2023. Collection method: clinical testing. Allele origin: germline.
Comment: The p.N783S variant (also known as c.2348A>G), located in coding exon 1 of the SAMD9L gene, results from an A to G substitution at nucleotide position 2348. The asparagine at codon 783 is replaced by serine, an amino acid with highly similar properties. This amino acid position is conserved. In addition, this alteration is predicted to be tolerated by in silico analysis. Based on the available evidence, the clinical significance of this variant remains unclear.

NM_152703.5(SAMD9L):c.2348A>G (p.Asn783Ser)

Gene: SAMD9L (sterile alpha motif domain containing 9 like; minus strand). Cytogenetic location: 7q21.2.
Variant type: single nucleotide variant.
Coding change: c.2348A>G on transcript NM_152703.5 (MANE Select); coding-DNA position 2348, A replaced by G.
Protein change: p.Asn783Ser; replaces asparagine 783 with serine.
Molecular consequence: missense variant.
Genome position (GRCh38, 1-based): chr7:93,133,624, T>C on the plus strand (A>G on the coding strand, the complement: SAMD9L is on the minus strand). VCF-style: chr7-93133624-T-C. GRCh37 (hg19) VCF-style: chr7-92762937-T-C.
Other names: c.2348A>G, p.Asn783Ser (NM_001303496.3, NM_001303497.3, NM_001303498.3 and 5 more transcripts); short protein forms N783S.
Identifiers: ClinVar variation 3792252 (VCV003792252.1).
Genomic context (GRCh38, chr7:93,133,624, plus strand): 5'-TCCACAAGGAGAAGCACAGGAATGTAATCCTGATGGCTCTTTGCCCTATAGGTGACCAGA[T>C]TGATCACTTGCTCTGCAATTTCTGCAAAATCAGTTGTCTTGTTTTTTAACACAGCACATC-3'
Protein context (NP_689916.2, residues 773-793): DFAEIAEQVI[Asn783Ser]LVTYRAKSHQ